The following is an entry in ClinVar:

NM_152564.5(VPS13B):c.9615G>T (p.Arg3205Ser)

Gene: VPS13B (vacuolar protein sorting 13 homolog B; plus strand). Cytogenetic location: 8q22.2.
Variant type: single nucleotide variant.
Coding change: c.9615G>T on transcript NM_152564.5 (MANE Select); coding-DNA position 9615, G replaced by T.
Protein change: p.Arg3205Ser; replaces arginine 3205 with serine.
Molecular consequence: missense variant.
Genome position (GRCh38, 1-based): chr8:99,835,197, G>T. VCF-style: chr8-99835197-G-T. GRCh37 (hg19) VCF-style: chr8-100847425-G-T.
Other names: c.9690G>T, p.Arg3230Ser (NM_017890.5); short protein forms R3230S, R3205S.
Identifiers: ClinVar variation 2000785 (VCV002000785.1), dbSNP rs2492119402, ClinGen allele CA371782351.
Genomic context (GRCh38, chr8:99,835,197, plus strand): 5'-GGAGAGAGCATTCATTTTTTTTCCTAAACATTTCTGTCATTTGACTTGATTCTCTTCCAG[G>T]GCTATAGTGCTGACATATCAAGAACACCTCGGAGTGACTTATTTAACCCTCTCAGAAGAC-3'
Protein context (NP_689777.3, residues 3195-3215): GNFRENGFCT[Arg3205Ser]AIVLTYQEHL

ClinVar aggregate classification (germline): Uncertain significance (1 of 4 stars; one submission).

Conditions:
Cohen syndrome (COH1). Also called: Cutis verticis gyrata, retinitis pigmentosa, and sensorineural deafness; PEPPER SYNDROME. Identifiers: Orphanet 193, MedGen C0265223, MONDO:0008999, OMIM 216550.

gnomAD v4.1: 1 of 1,613,746 alleles (0.000062%); no homozygotes.

Submission:

Labcorp Genetics (formerly Invitae), Labcorp
Classification: Uncertain significance for Cohen syndrome. Last evaluated: 2022-05-29. Review status: criteria provided, single submitter. Criteria: Invitae Variant Classification Sherloc (09022015). Collection method: clinical testing. Allele origin: germline.
Comment: This sequence change replaces arginine, which is basic and polar, with serine, which is neutral and polar, at codon 3230 of the VPS13B protein (p.Arg3230Ser). This variant is not present in population databases (gnomAD no frequency). This variant has not been reported in the literature in individuals affected with VPS13B-related conditions. Algorithms developed to predict the effect of missense changes on protein structure and function are either unavailable or do not agree on the potential impact of this missense change (SIFT: "Not Available"; PolyPhen-2: "Benign"; Align-GVGD: "Not Available"). In summary, the available evidence is currently insufficient to determine the role of this variant in disease. Therefore, it has been classified as a Variant of Uncertain Significance.